The following is an entry in ClinVar:

ClinVar aggregate classification (germline): Uncertain significance (1 of 4 stars; one submission).

Conditions:
EAST syndrome (SESAMES). Also called: SEIZURES, SENSORINEURAL DEAFNESS, ATAXIA, IMPAIRED INTELLECTUAL DEVELOPMENT, AND ELECTROLYTE IMBALANCE. Identifiers: Orphanet 199343, MedGen C2748572, MONDO:0013005, OMIM 612780.

gnomAD v4.1: 1 of 1,614,128 alleles (0.000062%); no homozygotes.

Submission:

Labcorp Genetics (formerly Invitae), Labcorp
Classification: Uncertain significance for EAST syndrome. Last evaluated: 2022-03-15. Review status: criteria provided, single submitter. Criteria: Invitae Variant Classification Sherloc (09022015). Collection method: clinical testing. Allele origin: germline.
Comment: In summary, the available evidence is currently insufficient to determine the role of this variant in disease. Therefore, it has been classified as a Variant of Uncertain Significance. Algorithms developed to predict the effect of missense changes on protein structure and function are either unavailable or do not agree on the potential impact of this missense change (SIFT: "Tolerated"; PolyPhen-2: "Probably Damaging"; Align-GVGD: "Class C0"). This variant has not been reported in the literature in individuals affected with KCNJ10-related conditions. This variant is not present in population databases (gnomAD no frequency). This sequence change replaces glutamine, which is neutral and polar, with lysine, which is basic and polar, at codon 11 of the KCNJ10 protein (p.Gln11Lys).

NM_002241.5(KCNJ10):c.31C>A (p.Gln11Lys)

Gene: KCNJ10 (potassium inwardly rectifying channel subfamily J member 10; minus strand). Cytogenetic location: 1q23.2.
Variant type: single nucleotide variant.
Coding change: c.31C>A on transcript NM_002241.5 (MANE Select); coding-DNA position 31, C replaced by A.
Protein change: p.Gln11Lys; replaces glutamine 11 with lysine.
Molecular consequence: missense variant.
Genome position (GRCh38, 1-based): chr1:160,042,502, G>T on the plus strand (C>A on the coding strand, the complement: KCNJ10 is on the minus strand). VCF-style: chr1-160042502-G-T. GRCh37 (hg19) VCF-style: chr1-160012292-G-T.
Other names: short protein forms Q11K.
Identifiers: ClinVar variation 2112427 (VCV002112427.4), dbSNP rs2525431789, ClinGen allele CA343231108.